The following is an entry in ClinVar:

ClinVar aggregate classification (germline): Uncertain significance (1 of 4 stars; one submission).

Conditions:
Cardiovascular phenotype. Identifiers: MedGen CN230736.

Submission:

Ambry Genetics
Classification: Uncertain significance for Cardiovascular phenotype. Last evaluated: 2026-01-06. Review status: criteria provided, single submitter. Criteria: Ambry Variant Classification Scheme 2023. Collection method: clinical testing. Allele origin: germline.
Comment: The p.V547M variant (also known as c.1639G>A), located in coding exon 10 of the FLNC gene, results from a G to A substitution at nucleotide position 1639. The valine at codon 547 is replaced by methionine, an amino acid with highly similar properties. This amino acid position is conserved. In addition, this alteration is predicted to be deleterious by in silico analysis. Based on the available evidence, the clinical significance of this variant remains unclear.

NM_001458.5(FLNC):c.1639G>A (p.Val547Met)

Gene: FLNC (filamin C; plus strand). Cytogenetic location: 7q32.1.
Variant type: single nucleotide variant.
Coding change: c.1639G>A on transcript NM_001458.5 (MANE Select); coding-DNA position 1639, G replaced by A.
Protein change: p.Val547Met; replaces valine 547 with methionine.
Molecular consequence: missense variant.
Genome position (GRCh38, 1-based): chr7:128,840,637, G>A. VCF-style: chr7-128840637-G-A. GRCh37 (hg19) VCF-style: chr7-128480691-G-A.
Other names: c.1639G>A, p.Val547Met (NM_001127487.2); short protein forms V547M.
Identifiers: ClinVar variation 4842741 (VCV004842741.1).